The following is an entry in ClinVar:

NM_001159773.2(CANT1):c.1157C>T (p.Pro386Leu)

Gene: CANT1 (calcium activated nucleotidase 1; minus strand). Cytogenetic location: 17q25.3.
Variant type: single nucleotide variant.
Coding change: c.1157C>T on transcript NM_001159773.2 (MANE Select); coding-DNA position 1157, C replaced by T.
Protein change: p.Pro386Leu; replaces proline 386 with leucine.
Molecular consequence: missense variant.
Genome position (GRCh38, 1-based): chr17:78,993,599, G>A on the plus strand (C>T on the coding strand, the complement: CANT1 is on the minus strand). VCF-style: chr17-78993599-G-A. GRCh37 (hg19) VCF-style: chr17-76989681-G-A.
Other names: c.1157C>T, p.Pro386Leu (NM_001159772.2, NM_138793.4); short protein forms P386L.
Identifiers: ClinVar variation 593741 (VCV000593741.10), dbSNP rs369580248, ClinGen allele CA8808499.

ClinVar aggregate classification (germline): Uncertain significance. Review status: criteria provided, multiple submitters, no conflicts (2 of 4 stars). 2 submissions from 2 submitters: Uncertain significance (2). Last evaluated 2025-12-03.

Allele frequency attached by ClinVar (database versions not stated): gnomAD 0.00010; ESP Exome Variant Server 0.00008.

Submissions (2):

Labcorp Genetics (formerly Invitae), Labcorp
Classification: Uncertain significance. Last evaluated: 2025-12-03. Review status: criteria provided, single submitter. Criteria: Invitae Variant Classification Sherloc (09022015). Collection method: clinical testing. Allele origin: germline.
Comment: This sequence change replaces proline, which is neutral and non-polar, with leucine, which is neutral and non-polar, at codon 386 of the CANT1 protein (p.Pro386Leu). This variant is present in population databases (rs369580248, gnomAD 0.01%). This variant has not been reported in the literature in individuals affected with CANT1-related conditions. ClinVar contains an entry for this variant (Variation ID: 593741). Invitae Evidence Modeling of protein sequence and biophysical properties (such as structural, functional, and spatial information, amino acid conservation, physicochemical variation, residue mobility, and thermodynamic stability) indicates that this missense variant is expected to disrupt CANT1 protein function with a positive predictive value of 95%. In summary, the available evidence is currently insufficient to determine the role of this variant in disease. Therefore, it has been classified as a Variant of Uncertain Significance.

Eurofins Ntd Llc (ga)
Classification: Uncertain significance. Last evaluated: 2017-08-22. Review status: criteria provided, single submitter. Criteria: EGL Classification Definitions 2015. Collection method: clinical testing. Allele origin: germline. Observed: 1 variant allele, 1 heterozygote.